The following is an entry in ClinVar:

NM_000209.4(PDX1):c.634G>A (p.Gly212Arg)

Gene: PDX1 (pancreatic and duodenal homeobox 1; plus strand). Cytogenetic location: 13q12.2.
Variant type: single nucleotide variant.
Coding change: c.634G>A on transcript NM_000209.4 (MANE Select); coding-DNA position 634, G replaced by A.
Protein change: p.Gly212Arg; replaces glycine 212 with arginine.
Molecular consequence: missense variant.
Genome position (GRCh38, 1-based): chr13:27,924,483, G>A. VCF-style: chr13-27924483-G-A. GRCh37 (hg19) VCF-style: chr13-28498620-G-A.
Other names: short protein forms G212R.
Identifiers: ClinVar variation 2634953 (VCV002634953.2), dbSNP rs749996964, ClinGen allele CA6927690.
Genomic context (GRCh38, chr13:27,924,483, plus strand): 5'-ATCTGGTTCCAAAACCGCCGCATGAAGTGGAAAAAGGAGGAGGACAAGAAGCGCGGCGGC[G>A]GGACAGCTGTCGGGGGTGGCGGGGTCGCGGAGCCTGAGCAGGACTGCGCCGTGACCTCCG-3'
Protein context (NP_000200.1, residues 202-222): KKEEDKKRGG[Gly212Arg]TAVGGGGVAE

ClinVar aggregate classification (germline): Uncertain significance (1 of 4 stars; one submission).

Conditions:
PDX1-related disorder. Also called: PDX1-related condition; PDX1-related disorders.

Allele frequency attached by ClinVar (database versions not stated): gnomAD 0.00009; ExAC 0.00012.

Submission:

PreventionGenetics, part of Exact Sciences
Classification: Uncertain significance for PDX1-related condition. Last evaluated: 2025-07-20. Review status: criteria provided, single submitter. Criteria: ACMG Guidelines, 2015. Collection method: clinical testing. Allele origin: germline.
Comment: The PDX1 c.634G>A variant is predicted to result in the amino acid substitution p.Gly212Arg. In the literature the PDX1 gene is also referred to as the IPF1 gene. This variant was identified in an affected individual in a large family with early-onset Type II diabetes, but this variant does not segregate with disease as several unaffected individuals in this family also carried this variant (Table 2 and Figure 1B, Weng et al. 2001. PubMed ID: 11270685). This variant is reported in 0.088% of alleles in individuals of European (Finnish) descent in gnomAD. At this time, the clinical significance of this variant is uncertain due to the absence of conclusive functional and genetic evidence.